The following is an entry in ClinVar:

Conditions:
Long QT syndrome 5 (LQT5). Identifiers: Orphanet 101016, Orphanet 768, MedGen C1867904, MONDO:0013372, OMIM 613695.

Submission:

Roden Lab, Vanderbilt University Medical Center
No classification provided (evidence only). Condition: Long QT syndrome 5. Review status: no classification provided. Collection method: in vitro. Allele origin: not applicable. Functional consequence: Effect on ion channel function.
ClinVar note: "not provided" was previously submitted as the classification for the variant. However, the classification appeared to be based only on an observation of functional data so it was converted to no classification on 2025-07-30.

NM_000219.6(KCNE1):c.329A>C (p.Glu110Ala)

Gene: KCNE1 (potassium voltage-gated channel subfamily E regulatory subunit 1; minus strand). Cytogenetic location: 21q22.12.
Variant type: single nucleotide variant.
Coding change: c.329A>C on transcript NM_000219.6 (MANE Select); coding-DNA position 329, A replaced by C.
Protein change: p.Glu110Ala; replaces glutamic acid 110 with alanine.
Molecular consequence: missense variant.
Genome position (GRCh38, 1-based): chr21:34,449,306, T>G on the plus strand (A>C on the coding strand, the complement: KCNE1 is on the minus strand). VCF-style: chr21-34449306-T-G. GRCh37 (hg19) VCF-style: chr21-35821604-T-G.
Other names: c.329A>C, p.Glu110Ala (NM_001127668.4, NM_001127669.4, NM_001127670.4 and 4 more transcripts); short protein forms E110A.
Identifiers: ClinVar variation 3374654 (VCV003374654.2).